The following is an entry in ClinVar:

NM_000218.3(KCNQ1):c.1393+24675C>T

Genes: KCNQ1 (potassium voltage-gated channel subfamily Q member 1; plus strand), KCNQ1OT1 (KCNQ1 opposite strand/antisense transcript 1; minus strand). Cytogenetic location: 11p15.5.
Variant type: single nucleotide variant.
Coding change: c.1393+24675C>T on transcript NM_000218.3 (MANE Select); 24675 bases into the intron after coding-DNA position 1393, C replaced by T.
Molecular consequence: intron variant. On other transcripts: non-coding transcript variant (1).
Genome position (GRCh38, 1-based): chr11:2,613,529, C>T. VCF-style: chr11-2613529-C-T. GRCh37 (hg19) VCF-style: chr11-2634759-C-T.
Other names: c.1123+24675C>T (NM_001406837.1); c.1297+24675C>T (NM_001406836.1); c.853+24675C>T (NM_001406838.1); c.1012+24675C>T (NM_181798.2).
Identifiers: ClinVar variation 3771803 (VCV003771803.13).

ClinVar aggregate classification (germline): Benign (1 of 4 stars; one submission).

gnomAD v4.1: 23 of 398,450 alleles (0.0058%); highest among the groups gnomAD compares: Middle Eastern, 0.13%; no homozygotes.

Submission:

CeGaT Center for Human Genetics Tuebingen
Classification: Benign. Last evaluated: 2024-12-01. Review status: criteria provided, single submitter. Criteria: CeGaT Center For Human Genetics Tuebingen Variant Classification Criteria Version 2. Collection method: clinical testing. Allele origin: germline. Affected: yes. Observed: 1 variant allele.
Comment: KCNQ1OT1: BS1, BS2